The following is an entry in ClinVar:

ClinVar aggregate classification (germline): Uncertain significance (1 of 4 stars; one submission).

Submission:

GeneDx
Classification: Uncertain significance. Last evaluated: 2026-04-20. Review status: criteria provided, single submitter. Criteria: GeneDx Variant Classification Process June 2021. Collection method: clinical testing. Allele origin: germline.
Comment: Not observed at significant frequency in large population cohorts (gnomAD); In silico analysis supports that this missense variant has a deleterious effect on protein structure/function; Has not been previously published as pathogenic or benign to our knowledge

NM_014727.3(KMT2B):c.2671C>T (p.Pro891Ser)

Gene: KMT2B (lysine methyltransferase 2B; plus strand). Cytogenetic location: 19q13.12.
Variant type: single nucleotide variant.
Coding change: c.2671C>T on transcript NM_014727.3 (MANE Select); coding-DNA position 2671, C replaced by T.
Protein change: p.Pro891Ser; replaces proline 891 with serine.
Molecular consequence: missense variant.
Genome position (GRCh38, 1-based): chr19:35,722,667, C>T. VCF-style: chr19-35722667-C-T. GRCh37 (hg19) VCF-style: chr19-36213569-C-T.
Other names: short protein forms P891S.
Identifiers: ClinVar variation 5037282 (VCV005037282.1).